The following is an entry in ClinVar:

NM_016121.5(KCTD3):c.553C>T (p.Arg185Ter)

Gene: KCTD3 (potassium channel tetramerization domain containing 3; plus strand). Cytogenetic location: 1q41.
Variant type: single nucleotide variant.
Coding change: c.553C>T on transcript NM_016121.5 (MANE Select); coding-DNA position 553, C replaced by T.
Protein change: p.Arg185Ter; replaces arginine 185 with a stop codon.
Molecular consequence: nonsense.
Genome position (GRCh38, 1-based): chr1:215,579,926, C>T. VCF-style: chr1-215579926-C-T. GRCh37 (hg19) VCF-style: chr1-215753269-C-T.
Other names: c.553C>T, p.Arg185Ter (NM_001319294.2); c.247C>T, p.Arg83Ter (NM_001319295.2); short protein forms R185*, R83*.
Identifiers: ClinVar variation 3900455 (VCV003900455.1).
Genomic context (GRCh38, chr1:215,579,926, plus strand): 5'-CCCGGTTTAGAATGTAAAATATTTCTTTTTCCAAAATCAACAGGATTTCCTGTGGATCCA[C>T]GAAAGGTGCTAATAGTAGCTGGCCATCACAACTGGATTGTAGCTGCATATGCCCATTTTG-3'

ClinVar aggregate classification (germline): Uncertain significance (1 of 4 stars; one submission).

gnomAD v4.1: 8 of 1,612,832 alleles (0.0005%); highest among the groups gnomAD compares: East Asian, 0.0022%; no homozygotes.

Submission:

GeneDx
Classification: Uncertain significance. Last evaluated: 2024-11-21. Review status: criteria provided, single submitter. Criteria: GeneDx Variant Classification Process June 2021. Collection method: clinical testing. Allele origin: germline. Affected: yes.
Comment: Not observed at significant frequency in large population cohorts (gnomAD); Nonsense variant predicted to result in protein truncation or nonsense mediated decay in a gene or region of a gene for which loss of function is not a well-established mechanism of disease; Has not been previously published as pathogenic or benign to our knowledge